The following is an entry in ClinVar:

ClinVar aggregate classification (germline): Uncertain significance (1 of 4 stars; one submission).

Allele frequency attached by ClinVar (database versions not stated): TOPMed 0.00001; ExAC 0.00001; ESP Exome Variant Server 0.00015; gnomAD 0.00001.
gnomAD v4.1: 8 of 1,612,748 alleles (0.0005%); highest among the groups gnomAD compares: African/African-American, 0.0013%; no homozygotes.

Submission:

Labcorp Genetics (formerly Invitae), Labcorp
Classification: Uncertain significance. Last evaluated: 2025-05-31. Review status: criteria provided, single submitter. Criteria: Invitae Variant Classification Sherloc (09022015). Collection method: clinical testing. Allele origin: germline.
Comment: This sequence change replaces arginine, which is basic and polar, with cysteine, which is neutral and slightly polar, at codon 1167 of the KMT2E protein (p.Arg1167Cys). This variant is present in population databases (rs377533573, gnomAD 0.003%). This variant has not been reported in the literature in individuals affected with KMT2E-related conditions. ClinVar contains an entry for this variant (Variation ID: 2004456). Invitae Evidence Modeling of protein sequence and biophysical properties (such as structural, functional, and spatial information, amino acid conservation, physicochemical variation, residue mobility, and thermodynamic stability) indicates that this missense variant is expected to disrupt KMT2E protein function with a positive predictive value of 80%. In summary, the available evidence is currently insufficient to determine the role of this variant in disease. Therefore, it has been classified as a Variant of Uncertain Significance.

NM_182931.3(KMT2E):c.3499C>T (p.Arg1167Cys)

Gene: KMT2E (lysine methyltransferase 2E (inactive); plus strand). Cytogenetic location: 7q22.3.
Variant type: single nucleotide variant.
Coding change: c.3499C>T on transcript NM_182931.3 (MANE Select); coding-DNA position 3499, C replaced by T.
Protein change: p.Arg1167Cys; replaces arginine 1167 with cysteine.
Molecular consequence: missense variant.
Genome position (GRCh38, 1-based): chr7:105,108,972, C>T. VCF-style: chr7-105108972-C-T. GRCh37 (hg19) VCF-style: chr7-104749419-C-T.
Other names: c.3499C>T, p.Arg1167Cys (NM_001410908.1, NM_018682.4); short protein forms R1167C.
Identifiers: ClinVar variation 2004456 (VCV002004456.4), dbSNP rs377533573, ClinGen allele CA4424507.